The following is an entry in ClinVar:

NM_000081.4(LYST):c.6192C>T (p.Ser2064=)

Gene: LYST (lysosomal trafficking regulator; minus strand). Cytogenetic location: 1q42.3.
Variant type: single nucleotide variant.
Coding change: c.6192C>T on transcript NM_000081.4 (MANE Select); coding-DNA position 6192, C replaced by T.
Protein change: p.Ser2064=; no amino-acid change (serine 2064 retained).
Molecular consequence: synonymous variant.
Genome position (GRCh38, 1-based): chr1:235,762,781, G>A on the plus strand (C>T on the coding strand, the complement: LYST is on the minus strand). VCF-style: chr1-235762781-G-A. GRCh37 (hg19) VCF-style: chr1-235926081-G-A.
Other names: c.6192C>T, p.Ser2064= (NM_001301365.1).
Identifiers: ClinVar variation 3016650 (VCV003016650.6), dbSNP rs2103372866, ClinGen allele CA423775799.
Genomic context (GRCh38, chr1:235,762,781, plus strand): 5'-TTCATATGGTGAAGCAGTAAAACCAGATGGGCTTATTACCATAAATCCAGGGCTCATAAG[G>A]GACCTTCCTCCACTGCTGGAATGCCTCAGGTACATGATTGACCGCACTTTCTCCTGAAAG-3'
Protein context (NP_000072.2, residues 2054-2074): YLRHSSSGGR[Ser2064=]LMSPGFMVIS

ClinVar aggregate classification (germline): Likely benign. Review status: criteria provided, multiple submitters, no conflicts (2 of 4 stars). 3 submissions from 3 submitters: Likely benign (2). 1 of the submissions does not count toward it. Last evaluated 2023-12-25.

Conditions:
Chédiak-Higashi syndrome (CHS). Also called: Chediak-Higashi Syndrome. Identifiers: Orphanet 167, MedGen C0007965, MONDO:0008963, OMIM 214500.
LYST-related disorder. Also called: LYST-related condition.

Allele frequency attached by ClinVar (database versions not stated): gnomAD exomes below 0.00001; gnomAD 0.00001.
gnomAD v4.1: 5 of 1,612,888 alleles (0.00031%); highest among the groups gnomAD compares: Middle Eastern, 0.033%; no homozygotes.

Submissions (3):

Labcorp Genetics (formerly Invitae), Labcorp
Classification: Likely benign for Chédiak-Higashi syndrome. Last evaluated: 2023-12-25. Review status: criteria provided, single submitter. Criteria: Invitae Variant Classification Sherloc (09022015). Collection method: clinical testing. Allele origin: germline.

Blueprint Genetics
Classification: Likely benign. Last evaluated: 2022-06-07. Review status: criteria provided, single submitter. Criteria: ACMG Guidelines, 2015. Collection method: clinical testing. Allele origin: germline.

PreventionGenetics, part of Exact Sciences
Classification: Likely benign for LYST-related condition. Last evaluated: 2021-05-05. Review status: no assertion criteria provided. Collection method: clinical testing. Allele origin: germline. Not counted in ClinVar's aggregate classification.
Comment: This variant is classified as likely benign based on ACMG/AMP sequence variant interpretation guidelines (Richards et al. 2015 PMID: 25741868, with internal and published modifications).